The following is an entry in ClinVar:

ClinVar aggregate classification (germline): Uncertain significance (1 of 4 stars; one submission).

Allele frequency attached by ClinVar (database versions not stated): gnomAD exomes below 0.00001; TOPMed below 0.00001; gnomAD 0.00001.
gnomAD v4.1: 2 of 1,572,984 alleles (0.00013%); highest among the groups gnomAD compares: Non-Finnish European, 0.00017%; no homozygotes.

Submission:

Labcorp Genetics (formerly Invitae), Labcorp
Classification: Uncertain significance. Last evaluated: 2023-07-29. Review status: criteria provided, single submitter. Criteria: Invitae Variant Classification Sherloc (09022015). Collection method: clinical testing. Allele origin: germline.
Comment: This sequence change replaces histidine, which is basic and polar, with proline, which is neutral and non-polar, at codon 532 of the FBN3 protein (p.His532Pro). This variant is not present in population databases (gnomAD no frequency). This variant has not been reported in the literature in individuals affected with FBN3-related conditions. Advanced modeling of protein sequence and biophysical properties (such as structural, functional, and spatial information, amino acid conservation, physicochemical variation, residue mobility, and thermodynamic stability) has been performed at Invitae for this missense variant, however the output from this modeling did not meet the statistical confidence thresholds required to predict the impact of this variant on FBN3 protein function. In summary, the available evidence is currently insufficient to determine the role of this variant in disease. Therefore, it has been classified as a Variant of Uncertain Significance.

NM_032447.5(FBN3):c.1595A>C (p.His532Pro)

Gene: FBN3 (fibrillin 3; minus strand). Cytogenetic location: 19p13.2.
Variant type: single nucleotide variant.
Coding change: c.1595A>C on transcript NM_032447.5 (MANE Select); coding-DNA position 1595, A replaced by C.
Protein change: p.His532Pro; replaces histidine 532 with proline.
Molecular consequence: missense variant.
Genome position (GRCh38, 1-based): chr19:8,133,103, T>G on the plus strand (A>C on the coding strand, the complement: FBN3 is on the minus strand). VCF-style: chr19-8133103-T-G. GRCh37 (hg19) VCF-style: chr19-8197987-T-G.
Other names: c.1595A>C, p.His532Pro (NM_001321431.2); short protein forms H532P.
Identifiers: ClinVar variation 2775940 (VCV002775940.3), dbSNP rs2083190160, ClinGen allele CA403707285.